The following is an entry in ClinVar:

ClinVar aggregate classification (germline): Uncertain significance. Review status: criteria provided, multiple submitters, no conflicts (2 of 4 stars). 2 submissions from 2 submitters: Uncertain significance (2). Last evaluated 2025-03-08.

Conditions:
Inborn genetic diseases. Identifiers: MedGen C0950123, MeSH D030342.

Allele frequency attached by ClinVar (database versions not stated): TOPMed 0.00001; ExAC 0.00003; gnomAD 0.00003; ESP Exome Variant Server 0.00008.
gnomAD v4.1: 24 of 1,614,162 alleles (0.0015%); highest among the groups gnomAD compares: Admixed American, 0.005%; no homozygotes.

Submissions (2):

Ambry Genetics
Classification: Uncertain significance for Inborn genetic diseases. Last evaluated: 2025-03-08. Review status: criteria provided, single submitter. Criteria: Ambry Variant Classification Scheme 2023. Collection method: clinical testing. Allele origin: germline.

Labcorp Genetics (formerly Invitae), Labcorp
Classification: Uncertain significance. Last evaluated: 2024-01-22. Review status: criteria provided, single submitter. Criteria: Invitae Variant Classification Sherloc (09022015). Collection method: clinical testing. Allele origin: germline.
Comment: This sequence change replaces alanine, which is neutral and non-polar, with threonine, which is neutral and polar, at codon 1546 of the COL4A4 protein (p.Ala1546Thr). This variant is present in population databases (rs371599457, gnomAD 0.006%). This variant has not been reported in the literature in individuals affected with COL4A4-related conditions. ClinVar contains an entry for this variant (Variation ID: 2172321). Advanced modeling of protein sequence and biophysical properties (such as structural, functional, and spatial information, amino acid conservation, physicochemical variation, residue mobility, and thermodynamic stability) performed at Invitae indicates that this missense variant is not expected to disrupt COL4A4 protein function with a negative predictive value of 95%. In summary, the available evidence is currently insufficient to determine the role of this variant in disease. Therefore, it has been classified as a Variant of Uncertain Significance.

NM_000092.5(COL4A4):c.4636G>A (p.Ala1546Thr)

Gene: COL4A4 (collagen type IV alpha 4 chain; minus strand). Cytogenetic location: 2q36.3.
Variant type: single nucleotide variant.
Coding change: c.4636G>A on transcript NM_000092.5 (MANE Select); coding-DNA position 4636, G replaced by A.
Protein change: p.Ala1546Thr; replaces alanine 1546 with threonine.
Molecular consequence: missense variant.
Genome position (GRCh38, 1-based): chr2:227,008,191, C>T on the plus strand (G>A on the coding strand, the complement: COL4A4 is on the minus strand). VCF-style: chr2-227008191-C-T. GRCh37 (hg19) VCF-style: chr2-227872907-C-T.
Other names: short protein forms A1546T.
Identifiers: ClinVar variation 2172321 (VCV002172321.6), dbSNP rs371599457, ClinGen allele CA2144112.